The following is an entry in ClinVar:

NM_000053.4(ATP7B):c.662C>T (p.Pro221Leu)

Gene: ATP7B (ATPase copper transporting beta; minus strand). Cytogenetic location: 13q14.3.
Variant type: single nucleotide variant.
Coding change: c.662C>T on transcript NM_000053.4 (MANE Select); coding-DNA position 662, C replaced by T.
Protein change: p.Pro221Leu; replaces proline 221 with leucine.
Molecular consequence: missense variant.
Genome position (GRCh38, 1-based): chr13:51,974,558, G>A on the plus strand (C>T on the coding strand, the complement: ATP7B is on the minus strand). VCF-style: chr13-51974558-G-A. GRCh37 (hg19) VCF-style: chr13-52548694-G-A.
Other names: c.662C>T, p.Pro221Leu (NM_001406511.1, NM_001406512.1, NM_001406531.1 and 30 more transcripts); c.566C>T, p.Pro189Leu (NM_001406536.1, NM_001406539.1, NM_001406543.1 and 4 more transcripts); short protein forms P189L, P221L.
Identifiers: ClinVar variation 3071294 (VCV003071294.1), dbSNP rs766929915, ClinGen allele CA388042030.
Genomic context (GRCh38, chr13:51,974,558, plus strand): 5'-TGGTTAGCAGAAGATAAAGGTCTCTTTGGGTTAGTGCTTTGTAACCGCTCAATATCAATT[G>A]GTCCCAGGCTTAAGGGAGCCACTTTGCTCTTGATGGCAGCTTCAAATCCCATGTCATTTA-3'
Protein context (NP_000044.2, residues 211-231): KSKVAPLSLG[Pro221Leu]IDIERLQSTN

ClinVar aggregate classification (germline): Uncertain significance (1 of 4 stars; one submission).

Conditions:
Wilson disease (WND). Also called: Wilson's disease. Identifiers: Orphanet 905, MedGen C0019202, MONDO:0010200, OMIM 277900. Disease mechanism: loss of function.

Submission:

All of Us Research Program, National Institutes of Health
Classification: Uncertain significance for Wilson disease. Last evaluated: 2023-05-31. Review status: criteria provided, single submitter. Criteria: ACMG Guidelines, 2015. Collection method: clinical testing. Allele origin: germline. Inheritance: Autosomal recessive inheritance. Observed: 1 variant allele, 1 heterozygote.
Comment: This study involves interpretation of variants in research participants for the purpose of population health screening. Participant phenotype was not available at the time of variant classification. Additional details can be found in publication PMID: 35346344, PMCID: PMC8962531